The following is an entry in ClinVar:

NM_001161352.2(KCNMA1):c.1132G>A (p.Ala378Thr)

Gene: KCNMA1 (potassium calcium-activated channel subfamily M alpha 1; minus strand). Cytogenetic location: 10q22.3.
Variant type: single nucleotide variant.
Coding change: c.1132G>A on transcript NM_001161352.2 (MANE Select); coding-DNA position 1132, G replaced by A.
Protein change: p.Ala378Thr; replaces alanine 378 with threonine.
Molecular consequence: missense variant.
Genome position (GRCh38, 1-based): chr10:77,108,572, C>T on the plus strand (G>A on the coding strand, the complement: KCNMA1 is on the minus strand). VCF-style: chr10-77108572-C-T. GRCh37 (hg19) VCF-style: chr10-78868330-C-T.
Other names: c.1132G>A, p.Ala378Thr (NM_001014797.3, NM_001161353.2, NM_001271519.2 and 7 more transcripts); c.970G>A, p.Ala324Thr (NM_001271518.2); c.592G>A, p.Ala198Thr (NM_001322838.2); short protein forms A198T, A324T, A378T.
Identifiers: ClinVar variation 940495 (VCV000940495.10), dbSNP rs2097249003, ClinGen allele CA377408921.

ClinVar aggregate classification (germline): Uncertain significance (1 of 4 stars; one submission).

Conditions:
Generalized epilepsy-paroxysmal dyskinesia syndrome (PNKD3). Also called: Generalized epilepsy and paroxysmal dyskinesia; Paroxysmal nonkinesigenic dyskinesia, 3, with or without generalized epilepsy. Identifiers: Orphanet 79137, MedGen C5574945, MONDO:0012276, OMIM 609446.

Submission:

Labcorp Genetics (formerly Invitae), Labcorp
Classification: Uncertain significance for Generalized epilepsy-paroxysmal dyskinesia syndrome. Last evaluated: 2019-09-17. Review status: criteria provided, single submitter. Criteria: Invitae Variant Classification Sherloc (09022015). Collection method: clinical testing. Allele origin: germline.
Comment: This sequence change replaces alanine with threonine at codon 378 of the KCNMA1 protein (p.Ala378Thr). The alanine residue is highly conserved and there is a small physicochemical difference between alanine and threonine. This variant is not present in population databases (ExAC no frequency). This variant has not been reported in the literature in individuals with KCNMA1-related conditions. Algorithms developed to predict the effect of missense changes on protein structure and function (SIFT, PolyPhen-2, Align-GVGD) all suggest that this variant is likely to be disruptive, but these predictions have not been confirmed by published functional studies and their clinical significance is uncertain. In summary, the available evidence is currently insufficient to determine the role of this variant in disease. Therefore, it has been classified as a Variant of Uncertain Significance.